The following is an entry in ClinVar:

ClinVar aggregate classification (germline): Pathogenic. Review status: reviewed by expert panel (3 of 4 stars). 8 submissions from 8 submitters: Pathogenic (1). 7 of the submissions do not count toward it. Last evaluated 2016-09-08.

Conditions:
Breast and/or ovarian cancer. Identifiers: MedGen CN221562.
Hereditary cancer-predisposing syndrome. Also called: Tumor predisposition; Neoplastic Syndromes, Hereditary; Hereditary Cancer Syndrome; Hereditary neoplastic syndrome. Identifiers: Orphanet 140162, MedGen C0027672, MeSH D009386, MONDO:0015356.
Hereditary breast ovarian cancer syndrome. Also called: Hereditary breast and ovarian cancer syndrome (HBOC); Hereditary breast and ovarian cancer syndrome; Hereditary breast and ovarian cancer; Hereditary breast and/or ovarian cancer syndrome; Breast and ovarian cancer; BRCA1- and BRCA2-Associated Hereditary Breast and Ovarian Cancer. Identifiers: Orphanet 145, MedGen C0677776, MeSH D061325, MONDO:0003582. Disease mechanism: loss of function.
Breast-ovarian cancer, familial, susceptibility to, 1 (BROVCA1). Also called: OVARIAN CANCER, SUSCEPTIBILITY TO; BRCA1 Hereditary Breast and Ovarian Cancer. Identifiers: Orphanet 145, MedGen C2676676, MONDO:0011450, OMIM 604370. Disease mechanism: loss of function.

Allele frequency attached by ClinVar (database versions not stated): gnomAD exomes below 0.00001.

Submissions (8):

Evidence-based Network for the Interpretation of Germline Mutant Alleles (ENIGMA)
Classification: Pathogenic for Breast-ovarian cancer, familial, susceptibility to, 1. Last evaluated: 2016-09-08. Review status: reviewed by expert panel. Criteria: ENIGMA BRCA1/2 Classification Criteria (2015). Collection method: curation. Allele origin: germline.
Comment: Variant allele predicted to encode a truncated non-functional protein.

Labcorp Genetics (formerly Invitae), Labcorp
Classification: Pathogenic for Hereditary breast ovarian cancer syndrome. Last evaluated: 2023-01-01. Review status: criteria provided, single submitter. Criteria: Invitae Variant Classification Sherloc (09022015). Collection method: clinical testing. Allele origin: germline. Not counted in ClinVar's aggregate classification.
Comment: This variant is not present in population databases (gnomAD no frequency). This sequence change creates a premature translational stop signal (p.Gln921Argfs*79) in the BRCA1 gene. It is expected to result in an absent or disrupted protein product. Loss-of-function variants in BRCA1 are known to be pathogenic (PMID: 20104584). This premature translational stop signal has been observed in individual(s) with hereditary breast and ovarian cancer (PMID: 15024741, 18489799, 29446198). For these reasons, this variant has been classified as Pathogenic. ClinVar contains an entry for this variant (Variation ID: 54674).

GeneDx
Classification: Pathogenic. Last evaluated: 2022-03-17. Review status: criteria provided, single submitter. Criteria: GeneDx Variant Classification Process June 2021. Collection method: clinical testing. Allele origin: germline. Affected: yes. Not counted in ClinVar's aggregate classification.
Comment: Frameshift variant predicted to result in protein truncation or nonsense mediated decay in a gene for which loss-of-function is a known mechanism of disease; Observed in individuals with a personal or family history consistent with pathogenic variants in this gene (Foretova 2004, Machackova 2008); Not observed at significant frequency in large population cohorts (gnomAD); Truncating variants in this gene are considered pathogenic by a well-established clinical consortium and/or database; Also known as 2881delA; This variant is associated with the following publications: (PMID: 18489799, 15024741, 32295079, 29446198, 31409081, 20104584, 32438681)

Color Diagnostics, LLC DBA Color Health
Classification: Pathogenic for Hereditary cancer-predisposing syndrome. Last evaluated: 2021-10-25. Review status: criteria provided, single submitter. Criteria: ACMG Guidelines, 2015. Collection method: clinical testing. Allele origin: germline. Not counted in ClinVar's aggregate classification.
Comment: This variant deletes 1 nucleotide in exon 10 of the BRCA1 gene, creating a frameshift and premature translation stop signal. This variant is expected to result in an absent or non-functional protein product. This variant has been reported in at least one individual and a family affected with breast or ovarian cancer and has been identified in a family among the CIMBA participants (PMID: 15024741, 18489799, 29446198). This variant has not been identified in the general population by the Genome Aggregation Database (gnomAD). Loss of BRCA1 function is a known mechanism of disease. Based on the available evidence, this variant is classified as Pathogenic.

Consortium of Investigators of Modifiers of BRCA1/2 (CIMBA), c/o University of Cambridge
Classification: Pathogenic for Breast-ovarian cancer, familial, susceptibility to, 1. Last evaluated: 2015-10-02. Review status: criteria provided, single submitter. Criteria: CIMBA Mutation Classification guidelines May 2016. Collection method: clinical testing. Allele origin: germline. Not counted in ClinVar's aggregate classification.

Ambry Genetics
Classification: Pathogenic for Hereditary cancer-predisposing syndrome. Last evaluated: 2014-08-29. Review status: criteria provided, single submitter. Criteria: Ambry Variant Classification Scheme 2023. Collection method: clinical testing. Allele origin: germline. Not counted in ClinVar's aggregate classification.
Comment: The c.2762delA pathogenic mutation (also known as 2881delA), located in coding exon 9 of the BRCA1 gene, results from a deletion of one nucleotide at nucleotide position 2762, causing a translational frameshift with a predicted alternate stop codon. This alteration has been reported in multiple breast and/or ovarian cancer families of Czech ancestry (Machackova E, BMC Cancer 2008 ; 8:140). In addition to the clinical data presented in the literature, since frameshifts are typically deleterious in nature, this alteration is interpreted as a disease-causing mutation (ACMG Recommendations for Standards for Interpretation and Reporting of Sequence Variations. Revision 2007. Genet Med. 2008;10:294).

CZECANCA consortium
Classification: Pathogenic for Breast and/or ovarian cancer. Last evaluated: 2019-06-11. Review status: no assertion criteria provided. Collection method: clinical testing. Allele origin: germline. Affected: yes. Observed: 3 variant alleles. Not counted in ClinVar's aggregate classification.

Breast Cancer Information Core (BIC) (BRCA1)
Classification: Pathogenic for Breast-ovarian cancer, familial 1. Last evaluated: 2005-07-20. Review status: no assertion criteria provided. Collection method: clinical testing. Allele origin: germline. Affected: yes. Observed: 2 variant alleles. Not counted in ClinVar's aggregate classification.

Literature cited by the submitters: PubMed 20104584 (cited by Labcorp Genetics (formerly Invitae), Labcorp); PubMed 15024741 (cited by 4 submitters); PubMed 18489799 (cited by 3 submitters); PubMed 29446198 (cited by Labcorp Genetics (formerly Invitae), Labcorp and Color Diagnostics, LLC DBA Color Health); PubMed 32295079 (cited by CZECANCA consortium).

NM_007294.4(BRCA1):c.2762del (p.Gln921fs)

Gene: BRCA1 (BRCA1 DNA repair associated; minus strand). Cytogenetic location: 17q21.31.
Variant type: Deletion.
Coding change: c.2762del on transcript NM_007294.4 (MANE Select); coding-DNA position 2762, one base deleted (A; older notation c.2762delA).
Protein change: p.Gln921fs; shifts the reading frame from glutamine 921.
Molecular consequence: frameshift variant. On other transcripts: intron variant (137).
Genome position (GRCh38, 1-based): chr17:43,092,769, T deleted on the plus strand (A on the coding strand, the reverse complement: BRCA1 is on the minus strand). VCF-style (leftmost placement, unchanged base first): chr17-43092768-CT-C. GRCh37 (hg19) VCF-style: chr17-41244785-CT-C.
Other names: 2881delA; c.2762delA (NM_007294.4); c.2639del, p.Gln880fs (NM_001407676.1, NM_001407677.1, NM_001407678.1 and 19 more transcripts); c.2762del, p.Gln921fs (NM_001407684.1, NM_001407854.1, NM_001407858.1 and 30 more transcripts); c.2636del, p.Gln879fs (NM_001407685.1, NM_001407686.1, NM_001407687.1 and 11 more transcripts); c.2621del, p.Gln874fs (NM_001407692.1, NM_001407694.1, NM_001407695.1 and 29 more transcripts); c.2618del, p.Gln873fs (NM_001407740.1, NM_001407741.1, NM_001407742.1 and 20 more transcripts); c.2549del, p.Gln850fs (NM_001407853.1, NM_001407894.1, NM_001407895.1 and 9 more transcripts); and 43 more; short protein forms Q921fs, Q874fs, Q793fs, Q809fs, Q832fs, Q853fs, Q854fs, Q873fs.
Identifiers: ClinVar variation 54674 (VCV000054674.23), dbSNP rs80357703, ClinGen allele CA001818.